The following is an entry in ClinVar:

NM_000179.3(MSH6):c.80C>T (p.Ala27Val)

Gene: MSH6 (mutS homolog 6; plus strand). Cytogenetic location: 2p16.3.
Variant type: single nucleotide variant.
Coding change: c.80C>T on transcript NM_000179.3 (MANE Select); coding-DNA position 80, C replaced by T.
Protein change: p.Ala27Val; replaces alanine 27 with valine.
Molecular consequence: missense variant. On other transcripts: 5 prime UTR variant (1).
Genome position (GRCh38, 1-based): chr2:47,783,313, C>T. VCF-style: chr2-47783313-C-T. GRCh37 (hg19) VCF-style: chr2-48010452-C-T.
Other names: c.80C>T (NM_000179.2); c.80C>T, p.Ala27Val (NM_001281492.2); c.-657C>T (NM_001281493.2); short protein forms A27V.
Identifiers: ClinVar variation 1036391 (VCV001036391.10), dbSNP rs1668116728, ClinGen allele CA346734801.

ClinVar aggregate classification (germline): Uncertain significance. Review status: criteria provided, multiple submitters, no conflicts (2 of 4 stars). 2 submissions from 2 submitters: Uncertain significance (2). Last evaluated 2024-10-08.

Conditions:
Hereditary nonpolyposis colorectal neoplasms. Identifiers: MedGen C0009405, MeSH D003123.
Hereditary cancer-predisposing syndrome. Also called: Neoplastic Syndromes, Hereditary; Hereditary Cancer Syndrome; Tumor predisposition; Hereditary neoplastic syndrome. Identifiers: Orphanet 140162, MedGen C0027672, MeSH D009386, MONDO:0015356.

gnomAD v4.1: 2 of 1,611,834 alleles (0.00012%); highest among the groups gnomAD compares: Non-Finnish European, 0.00017%; no homozygotes.

Submissions (2):

Ambry Genetics
Classification: Uncertain significance for Hereditary cancer-predisposing syndrome. Last evaluated: 2024-10-08. Review status: criteria provided, single submitter. Criteria: Ambry Variant Classification Scheme 2023. Collection method: clinical testing. Allele origin: germline.
Comment: The p.A27V variant (also known as c.80C>T), located in coding exon 1 of the MSH6 gene, results from a C to T substitution at nucleotide position 80. The alanine at codon 27 is replaced by valine, an amino acid with similar properties. This variant has been identified in a cohort of 8085 Chinese breast cancer patients (Hu L et al. NPJ Breast Cancer, 2022 Apr;8:52). This amino acid position is not well conserved in available vertebrate species. In addition, this alteration is predicted to be tolerated by in silico analysis. Based on the available evidence, the clinical significance of this variant remains unclear.

Labcorp Genetics (formerly Invitae), Labcorp
Classification: Uncertain significance for Hereditary nonpolyposis colorectal neoplasms. Last evaluated: 2023-05-10. Review status: criteria provided, single submitter. Criteria: Invitae Variant Classification Sherloc (09022015). Collection method: clinical testing. Allele origin: germline.
Comment: In summary, the available evidence is currently insufficient to determine the role of this variant in disease. Therefore, it has been classified as a Variant of Uncertain Significance. Advanced modeling of protein sequence and biophysical properties (such as structural, functional, and spatial information, amino acid conservation, physicochemical variation, residue mobility, and thermodynamic stability) performed at Invitae indicates that this missense variant is not expected to disrupt MSH6 protein function. ClinVar contains an entry for this variant (Variation ID: 1036391). This variant has not been reported in the literature in individuals affected with MSH6-related conditions. This variant is not present in population databases (gnomAD no frequency). This sequence change replaces alanine, which is neutral and non-polar, with valine, which is neutral and non-polar, at codon 27 of the MSH6 protein (p.Ala27Val).

Literature cited by the submitters: PubMed 35449176 (cited by Ambry Genetics).